The following is an entry in ClinVar:

NM_005560.6(LAMA5):c.2367G>A (p.Glu789=)

Gene: LAMA5 (laminin subunit alpha 5; minus strand). Cytogenetic location: 20q13.33.
Variant type: single nucleotide variant.
Coding change: c.2367G>A on transcript NM_005560.6 (MANE Select); coding-DNA position 2367, G replaced by A.
Protein change: p.Glu789=; no amino-acid change (glutamic acid 789 retained).
Molecular consequence: synonymous variant.
Genome position (GRCh38, 1-based): chr20:62,335,226, C>T on the plus strand (G>A on the coding strand, the complement: LAMA5 is on the minus strand). VCF-style: chr20-62335226-C-T. GRCh37 (hg19) VCF-style: chr20-60910282-C-T.
Identifiers: ClinVar variation 779992 (VCV000779992.16), dbSNP rs200278109, ClinGen allele CA9943475.

ClinVar aggregate classification (germline): Benign/Likely benign. Review status: criteria provided, multiple submitters, no conflicts (2 of 4 stars). 3 submissions from 3 submitters: Benign (1); Likely benign (2). Last evaluated 2026-02-01.

Allele frequency attached by ClinVar (database versions not stated): gnomAD exomes 0.00015 and 0.00077; gnomAD 0.00036 and 0.00044; TOPMed 0.00039; ExAC 0.00068; 1000 Genomes Project 30x 0.00187; 1000 Genomes Project 0.00240.
gnomAD v4.1: 400 of 1,612,792 alleles (0.025%); highest among the groups gnomAD compares: East Asian, 0.55%; 8 homozygotes.

Submissions (3):

Labcorp Genetics (formerly Invitae), Labcorp
Classification: Benign. Last evaluated: 2026-02-01. Review status: criteria provided, single submitter. Criteria: Invitae Variant Classification Sherloc (09022015). Collection method: clinical testing. Allele origin: germline.

CeGaT Center for Human Genetics Tuebingen
Classification: Likely benign. Last evaluated: 2025-10-01. Review status: criteria provided, single submitter. Criteria: CeGaT Center For Human Genetics Tuebingen Variant Classification Criteria Version 2. Collection method: clinical testing. Allele origin: germline. Affected: yes. Observed: 1 variant allele.
Comment: LAMA5: BP4, BP7

Blueprint Genetics
Classification: Likely benign. Last evaluated: 2024-11-08. Review status: criteria provided, single submitter. Criteria: ACMG Guidelines, 2015. Collection method: clinical testing. Allele origin: germline.